The following is an entry in ClinVar:

ClinVar aggregate classification (germline): Uncertain significance (1 of 4 stars; one submission).

Conditions:
Familial cancer of breast. Also called: hereditary breast carcinoma; Hereditary breast cancer; BREAST CANCER, FAMILIAL. Identifiers: Orphanet 227535, MedGen C0346153, MONDO:0016419, OMIM 114480. Disease mechanism: loss of function.

gnomAD v4.1: 1 of 1,614,072 alleles (0.000062%); highest among the groups gnomAD compares: Non-Finnish European, 0.000085%; no homozygotes.

Submission:

Labcorp Genetics (formerly Invitae), Labcorp
Classification: Uncertain significance for Familial cancer of breast. Last evaluated: 2024-02-02. Review status: criteria provided, single submitter. Criteria: Invitae Variant Classification Sherloc (09022015). Collection method: clinical testing. Allele origin: germline.
Comment: This sequence change replaces glycine, which is neutral and non-polar, with arginine, which is basic and polar, at codon 596 of the PALB2 protein (p.Gly596Arg). This variant is not present in population databases (gnomAD no frequency). This variant has not been reported in the literature in individuals affected with PALB2-related conditions. Advanced modeling of protein sequence and biophysical properties (such as structural, functional, and spatial information, amino acid conservation, physicochemical variation, residue mobility, and thermodynamic stability) performed at Invitae indicates that this missense variant is not expected to disrupt PALB2 protein function with a negative predictive value of 80%. In summary, the available evidence is currently insufficient to determine the role of this variant in disease. Therefore, it has been classified as a Variant of Uncertain Significance.

NM_024675.4(PALB2):c.1786G>A (p.Gly596Arg)

Gene: PALB2 (partner and localizer of BRCA2; minus strand). Cytogenetic location: 16p12.2.
Variant type: single nucleotide variant.
Coding change: c.1786G>A on transcript NM_024675.4 (MANE Select); coding-DNA position 1786, G replaced by A.
Protein change: p.Gly596Arg; replaces glycine 596 with arginine.
Molecular consequence: missense variant. On other transcripts: 5 prime UTR variant (2), intron variant (1).
Genome position (GRCh38, 1-based): chr16:23,630,368, C>T on the plus strand (G>A on the coding strand, the complement: PALB2 is on the minus strand). VCF-style: chr16-23630368-C-T. GRCh37 (hg19) VCF-style: chr16-23641689-C-T.
Other names: c.1726G>A, p.Gly576Arg (NM_001407296.1); c.1786G>A, p.Gly596Arg (NM_001407297.1, NM_001407298.1, NM_001407299.1 and 3 more transcripts); c.901G>A, p.Gly301Arg (NM_001407304.1, NM_001407305.1, NM_001407306.1 and 5 more transcripts); c.-3G>A (NM_001407312.1, NM_001407313.1); c.49-1093G>A (NM_001407314.1); short protein forms G576R, G301R, G596R.
Identifiers: ClinVar variation 3638312 (VCV003638312.2).
Genomic context (GRCh38, chr16:23,630,368, plus strand): 5'-CAGGTAACTGAAAGTCTGTGATACTGAGAAAAGACAGTAGTTGCTTTAAACTCAGCATTC[C>T]ATCCCTATGAAATGGAGCCGTGAAAGCATCATCATCCAAGGATAAATAAGCACTATTACT-3'
Protein context (NP_078951.2, residues 586-606): DAFTAPFHRD[Gly596Arg]MLSLKQLLSF